The following is an entry in ClinVar:

NM_016604.4(KDM3B):c.1259C>G (p.Ser420Cys)

Gene: KDM3B (lysine demethylase 3B; plus strand). Cytogenetic location: 5q31.2.
Variant type: single nucleotide variant.
Coding change: c.1259C>G on transcript NM_016604.4 (MANE Select); coding-DNA position 1259, C replaced by G.
Protein change: p.Ser420Cys; replaces serine 420 with cysteine.
Molecular consequence: missense variant.
Genome position (GRCh38, 1-based): chr5:138,386,500, C>G. VCF-style: chr5-138386500-C-G. GRCh37 (hg19) VCF-style: chr5-137722189-C-G.
Other names: short protein forms S420C.
Identifiers: ClinVar variation 3046659 (VCV003046659.2), dbSNP rs777912581, ClinGen allele CA3428874.

ClinVar aggregate classification (germline): Uncertain significance (0 of 4 stars; one submission).

Conditions:
KDM3B-related disorder. Also called: KDM3B-related condition.

Allele frequency attached by ClinVar (database versions not stated): gnomAD exomes below 0.00001.
gnomAD v4.1: 6 of 1,613,880 alleles (0.00037%); highest among the groups gnomAD compares: East Asian, 0.013%; no homozygotes.

Submission:

PreventionGenetics, part of Exact Sciences
Classification: Uncertain significance for KDM3B-related condition. Last evaluated: 2023-11-21. Review status: no assertion criteria provided. Collection method: clinical testing. Allele origin: germline.
Comment: The KDM3B c.1259C>G variant is predicted to result in the amino acid substitution p.Ser420Cys. To our knowledge, this variant has not been reported in the literature. This variant is reported in 0.0055% of alleles in individuals of East Asian descent in gnomAD. At this time, the clinical significance of this variant is uncertain due to the absence of conclusive functional and genetic evidence.